The following is an entry in ClinVar:

NM_004336.5(BUB1):c.2212G>C (p.Val738Leu)

Gene: BUB1 (BUB1 mitotic checkpoint serine/threonine kinase; minus strand). Cytogenetic location: 2q13.
Variant type: single nucleotide variant.
Coding change: c.2212G>C on transcript NM_004336.5 (MANE Select); coding-DNA position 2212, G replaced by C.
Protein change: p.Val738Leu; replaces valine 738 with leucine.
Molecular consequence: missense variant.
Genome position (GRCh38, 1-based): chr2:110,649,369, C>G on the plus strand (G>C on the coding strand, the complement: BUB1 is on the minus strand). VCF-style: chr2-110649369-C-G. GRCh37 (hg19) VCF-style: chr2-111406946-C-G.
Other names: c.2152G>C, p.Val718Leu (NM_001278616.2); c.2212G>C, p.Val738Leu (NM_001278617.2); short protein forms V718L, V738L.
Identifiers: ClinVar variation 3262094 (VCV003262094.1).

ClinVar aggregate classification (germline): Uncertain significance (1 of 4 stars; one submission).

Submission:

Ambry Genetics
Classification: Uncertain significance. Last evaluated: 2024-04-20. Review status: criteria provided, single submitter. Criteria: Ambry Variant Classification Scheme 2023. Collection method: clinical testing. Allele origin: germline.
Comment: The p.V738L variant (also known as c.2212G>C), located in coding exon 19 of the BUB1 gene, results from a G to C substitution at nucleotide position 2212. The valine at codon 738 is replaced by leucine, an amino acid with highly similar properties. This amino acid position is conserved. In addition, this alteration is predicted to be tolerated by in silico analysis. Based on the available evidence, the clinical significance of this variant remains unclear.